The following is an entry in ClinVar:

NM_000048.4(ASL):c.328G>T (p.Gly110Ter)

Gene: ASL (argininosuccinate lyase; plus strand). Cytogenetic location: 7q11.21.
Variant type: single nucleotide variant.
Coding change: c.328G>T on transcript NM_000048.4 (MANE Select); coding-DNA position 328, G replaced by T.
Protein change: p.Gly110Ter; replaces glycine 110 with a stop codon.
Molecular consequence: nonsense.
Genome position (GRCh38, 1-based): chr7:66,082,916, G>T. VCF-style: chr7-66082916-G-T. GRCh37 (hg19) VCF-style: chr7-65547903-G-T.
Other names: c.328G>T, p.Gly110Ter (NM_001024943.2, NM_001024944.2, NM_001024946.2); short protein forms G110*.
Identifiers: ClinVar variation 3720752 (VCV003720752.2).

ClinVar aggregate classification (germline): Pathogenic (1 of 4 stars; one submission).

Conditions:
Argininosuccinate lyase deficiency. Also called: Argininosuccinic aciduria; ARGININOSUCCINIC ACID LYASE DEFICIENCY; ASL DEFICIENCY. Identifiers: Orphanet 23, MedGen C0268547, MONDO:0008815, OMIM 207900, HP:0025630.

Submission:

Labcorp Genetics (formerly Invitae), Labcorp
Classification: Pathogenic for Argininosuccinate lyase deficiency. Last evaluated: 2024-09-29. Review status: criteria provided, single submitter. Criteria: Invitae Variant Classification Sherloc (09022015). Collection method: clinical testing. Allele origin: germline.
Comment: This sequence change creates a premature translational stop signal (p.Gly110*) in the ASL gene. It is expected to result in an absent or disrupted protein product. Loss-of-function variants in ASL are known to be pathogenic (PMID: 2263616, 24166829). This variant is not present in population databases (gnomAD no frequency). This premature translational stop signal has been observed in individual(s) with ASL-related conditions (PMID: 24166829). For these reasons, this variant has been classified as Pathogenic.

Literature cited by the submitters: PubMed 2263616; PubMed 24166829.